The following is an entry in ClinVar:

ClinVar aggregate classification (germline): Uncertain significance. Review status: criteria provided, multiple submitters, no conflicts (2 of 4 stars). 4 submissions from 3 submitters: Uncertain significance (4). Last evaluated 2023-11-04.

Conditions:
Inborn genetic diseases. Identifiers: MedGen C0950123, MeSH D030342.
Retinitis pigmentosa 39 (RP39). Identifiers: Orphanet 791, MedGen C3151138, MONDO:0013436, OMIM 613809.
Usher syndrome type 2A. Also called: RETINAL DISEASE IN USHER SYNDROME TYPE IIA, MODIFIER OF; USHER SYNDROME, TYPE IIA. Identifiers: Orphanet 231178, Orphanet 886, MedGen C1848634, MONDO:0010169, OMIM 276901.

Allele frequency attached by ClinVar (database versions not stated): gnomAD exomes below 0.00001; ExAC 0.00001; gnomAD 0.00001; TOPMed 0.00001.
gnomAD v4.1: 4 of 1,613,736 alleles (0.00025%); highest among the groups gnomAD compares: Non-Finnish European, 0.00025%; no homozygotes.

Submissions (4):

Genome-Nilou Lab
Classification: Uncertain significance for Retinitis pigmentosa 39. Last evaluated: 2023-11-04. Review status: criteria provided, single submitter. Criteria: ACMG Guidelines, 2015. Collection method: clinical testing. Allele origin: germline. Affected: no.

Genome-Nilou Lab
Classification: Uncertain significance for Usher syndrome type 2A. Last evaluated: 2023-11-04. Review status: criteria provided, single submitter. Criteria: ACMG Guidelines, 2015. Collection method: clinical testing. Allele origin: germline. Affected: no.

Labcorp Genetics (formerly Invitae), Labcorp
Classification: Uncertain significance. Last evaluated: 2022-07-19. Review status: criteria provided, single submitter. Criteria: Invitae Variant Classification Sherloc (09022015). Collection method: clinical testing. Allele origin: germline.
Comment: This sequence change replaces glutamic acid, which is acidic and polar, with aspartic acid, which is acidic and polar, at codon 3052 of the USH2A protein (p.Glu3052Asp). The frequency data for this variant in the population databases is considered unreliable, as metrics indicate poor data quality at this position in the gnomAD database. This variant has not been reported in the literature in individuals affected with USH2A-related conditions. ClinVar contains an entry for this variant (Variation ID: 967723). Algorithms developed to predict the effect of missense changes on protein structure and function are either unavailable or do not agree on the potential impact of this missense change (SIFT: "Deleterious"; PolyPhen-2: "Benign"; Align-GVGD: "Class C0"). In summary, the available evidence is currently insufficient to determine the role of this variant in disease. Therefore, it has been classified as a Variant of Uncertain Significance.

Ambry Genetics
Classification: Uncertain significance for Inborn genetic diseases. Last evaluated: 2021-08-10. Review status: criteria provided, single submitter. Criteria: Ambry Variant Classification Scheme 2023. Collection method: clinical testing. Allele origin: germline.

NM_206933.4(USH2A):c.9156G>C (p.Glu3052Asp)

Gene: USH2A (usherin; minus strand). Cytogenetic location: 1q41.
Variant type: single nucleotide variant.
Coding change: c.9156G>C on transcript NM_206933.4 (MANE Select); coding-DNA position 9156, G replaced by C.
Protein change: p.Glu3052Asp; replaces glutamic acid 3052 with aspartic acid.
Molecular consequence: missense variant.
Genome position (GRCh38, 1-based): chr1:215,844,396, C>G on the plus strand (G>C on the coding strand, the complement: USH2A is on the minus strand). VCF-style: chr1-215844396-C-G. GRCh37 (hg19) VCF-style: chr1-216017738-C-G.
Other names: short protein forms E3052D.
Identifiers: ClinVar variation 967723 (VCV000967723.7), dbSNP rs766298464, ClinGen allele CA1394392.
Genomic context (GRCh38, chr1:215,844,396, plus strand): 5'-AAACGACCCAGGCACATTCATTCCAGTCTTGTAGAGCTTATTATTTACATAGATAGAATA[C>G]TCAGTGACAACACCATTTGGGTTTGAAGGAGATGTCCAGATGACACGTACAGCTGTACTG-3'
Protein context (NP_996816.3, residues 3042-3062): SPSNPNGVVT[Glu3052Asp]YSIYVNNKLY